The following is an entry in ClinVar:

NM_138576.4(BCL11B):c.346G>A (p.Gly116Arg)

Gene: BCL11B (BCL11 transcription factor B; minus strand). Cytogenetic location: 14q32.2.
Variant type: single nucleotide variant.
Coding change: c.346G>A on transcript NM_138576.4 (MANE Select); coding-DNA position 346, G replaced by A.
Protein change: p.Gly116Arg; replaces glycine 116 with arginine.
Molecular consequence: missense variant.
Genome position (GRCh38, 1-based): chr14:99,257,552, C>T on the plus strand (G>A on the coding strand, the complement: BCL11B is on the minus strand). VCF-style: chr14-99257552-C-T. GRCh37 (hg19) VCF-style: chr14-99723889-C-T.
Other names: c.343G>A, p.Gly115Arg (NM_001282237.2, NM_001282238.2); c.346G>A, p.Gly116Arg (NM_022898.3); short protein forms G115R, G116R.
Identifiers: ClinVar variation 2501653 (VCV002501653.1), dbSNP rs2503926497, ClinGen allele CA390938847.
Genomic context (GRCh38, chr14:99,257,552, plus strand): 5'-GACAGATGCCTTTCGTGGGTGAGAGCAGGTGGTCATCTTCGTCGGGGGTGACTTGGATCC[C>T]GATCTCCACCGGCTCGGACACTTTCCTGAGCTCGGAGCGTGAGGAGGGTGGCGGGCTGTC-3'
Protein context (NP_612808.1, residues 106-126): LRKVSEPVEI[Gly116Arg]IQVTPDEDDH

ClinVar aggregate classification (germline): Uncertain significance (1 of 4 stars; one submission).

Allele frequency attached by ClinVar (database versions not stated): gnomAD exomes below 0.00001.
gnomAD v4.1: 1 of 1,613,934 alleles (0.000062%); highest among the groups gnomAD compares: Non-Finnish European, 0.000085%; no homozygotes.

Submission:

GeneDx
Classification: Uncertain significance. Last evaluated: 2023-05-03. Review status: criteria provided, single submitter. Criteria: GeneDx Variant Classification Process June 2021. Collection method: clinical testing. Allele origin: germline. Affected: yes.
Comment: Not observed at significant frequency in large population cohorts (gnomAD); Has not been previously published as pathogenic or benign to our knowledge; In silico analysis supports that this missense variant has a deleterious effect on protein structure/function